The following is an entry in ClinVar:

ClinVar aggregate classification (germline): Pathogenic (1 of 4 stars; one submission).

Conditions:
Hereditary cancer-predisposing syndrome. Also called: Hereditary Cancer Syndrome; Hereditary neoplastic syndrome; Neoplastic Syndromes, Hereditary; Tumor predisposition. Identifiers: Orphanet 140162, MedGen C0027672, MeSH D009386, MONDO:0015356.

Submission:

Ambry Genetics
Classification: Pathogenic for Hereditary cancer-predisposing syndrome. Last evaluated: 2020-07-28. Review status: criteria provided, single submitter. Criteria: Ambry Variant Classification Scheme 2023. Collection method: clinical testing. Allele origin: germline.
Comment: The c.576delT pathogenic mutation, located in coding exon 6 of the PMS2 gene, results from a deletion of one nucleotide at nucleotide position 576, causing a translational frameshift with a predicted alternate stop codon (p.C192*). This alteration is expected to result in loss of function by premature protein truncation or nonsense-mediated mRNA decay. As such, this alteration is interpreted as a disease-causing mutation.

NM_000535.7(PMS2):c.576del (p.Tyr191_Cys192insTer)

Gene: PMS2 (PMS1 homolog 2, mismatch repair system component; minus strand). Cytogenetic location: 7p22.1.
Variant type: Deletion.
Coding change: c.576del on transcript NM_000535.7 (MANE Select); coding-DNA position 576, one base deleted (T; older notation c.576delT).
Protein change: p.Tyr191_Cys192insTer.
Molecular consequence: nonsense. On other transcripts: frameshift variant (41), non-coding transcript variant (1), intron variant (3).
Genome position (GRCh38, 1-based): chr7:5,999,237, A deleted on the plus strand (T on the coding strand, the reverse complement: PMS2 is on the minus strand). VCF-style (leftmost placement, unchanged base first): chr7-5999236-TA-T. GRCh37 (hg19) VCF-style: chr7-6038867-TA-T.
Other names: c.576delT, p.Cys192Terfs (NM_001406869.1, NM_001406870.1, NM_001406871.1 and 3 more transcripts); c.267delT, p.Cys89Terfs (NM_001406875.1, NM_001406877.1, NM_001406878.1 and 5 more transcripts); c.258delT, p.Cys86Terfs (NM_001406876.1, NM_001406883.1, NM_001406901.1 and 2 more transcripts); c.171delT, p.Cys57Terfs (NM_001406887.1, NM_001406888.1, NM_001406889.1 and 17 more transcripts); c.133-1814del (NM_001322013.2); c.-347-11del (NM_001322012.2, NM_001322011.2); c.171del, p.Tyr56_Cys57insTer (NM_001322003.2, NM_001322004.2, NM_001322005.2 and 2 more transcripts); c.576del, p.Tyr191_Cys192insTer (NM_001322006.2, NM_001322014.2); and 4 more.
Identifiers: ClinVar variation 1749534 (VCV001749534.2), dbSNP rs2536322400, ClinGen allele CA2580076771.